The following is an entry in ClinVar:

ClinVar aggregate classification (germline): Uncertain significance (1 of 4 stars; one submission).

Conditions:
Nonpapillary renal cell carcinoma. Identifiers: Orphanet 422526, MedGen CN074294, MONDO:0007763, OMIM 144700.
Renal cysts and diabetes syndrome (RCAD). Also called: MATURITY-ONSET DIABETES OF THE YOUNG, TYPE 5; Familial hypoplastic, glomerulocystic kidney. Identifiers: Orphanet 93111, MedGen C0431693, MONDO:0007669, OMIM 137920.
Type 2 diabetes mellitus. Also called: Type II diabetes mellitus. Identifiers: MedGen C0011860, MeSH D003924, MONDO:0005148, OMIM 125853, HP:0005978.

gnomAD v4.1: 1 of 1,614,144 alleles (0.000062%); highest among the groups gnomAD compares: East Asian, 0.0022%; no homozygotes.

Submission:

Juno Genomics, Hangzhou Juno Genomics, Inc
Classification: Uncertain significance for Type 2 diabetes mellitus; Nonpapillary renal cell carcinoma; Renal cysts and diabetes syndrome. Review status: criteria provided, single submitter. Criteria: ACMG Guidelines, 2015. Collection method: clinical testing. Allele origin: germline.
Comment: Absent from controls (or at extremely low frequency if recessive) in Genome Aggregation Database.

NM_000458.4(HNF1B):c.595C>A (p.Gln199Lys)

Genes: HNF1B (HNF1 homeobox B; minus strand), LOC126862549 (BRD4-independent group 4 enhancer GRCh37_chr17:36093401-36094600; plus strand). Cytogenetic location: 17q12.
Variant type: single nucleotide variant.
Coding change: c.595C>A on transcript NM_000458.4 (MANE Select); coding-DNA position 595, C replaced by A.
Protein change: p.Gln199Lys; replaces glutamine 199 with lysine.
Molecular consequence: missense variant. On other transcripts: intron variant (2).
Genome position (GRCh38, 1-based): chr17:37,733,771, G>T on the plus strand (C>A on the coding strand, the complement: HNF1B is on the minus strand). VCF-style: chr17-37733771-G-T. GRCh37 (hg19) VCF-style: chr17-36093764-G-T.
Other names: c.595C>A, p.Gln199Lys (NM_001411100.1); c.545-28C>A (NM_001304286.2, NM_001165923.4); short protein forms Q199K.
Identifiers: ClinVar variation 5018997 (VCV005018997.2).
Genomic context (GRCh38, chr17:37,733,771, plus strand): 5'-ACTGCCCAGGCCCATGGCTCTGTTGACTGAACTCTGGAAAGAGAAACAGCAGCTGATCCT[G>T]ACTGCTTTTGTCTGTCATATTTCCAGAACTCTGGACTGTCTGGTTGAATTCTGAAAAGAG-3'
Protein context (NP_000449.1, residues 189-209): SSGNMTDKSS[Gln199Lys]DQLLFLFPEF